The following is an entry in ClinVar:

ClinVar aggregate classification (germline): Uncertain significance (1 of 4 stars; one submission).

gnomAD v4.1: 2 of 1,613,674 alleles (0.00012%); highest among the groups gnomAD compares: Non-Finnish European, 0.00017%; no homozygotes.

Submission:

Labcorp Genetics (formerly Invitae), Labcorp
Classification: Uncertain significance. Last evaluated: 2025-04-22. Review status: criteria provided, single submitter. Criteria: Invitae Variant Classification Sherloc (09022015). Collection method: clinical testing. Allele origin: germline.
Comment: This sequence change replaces proline, which is neutral and non-polar, with serine, which is neutral and polar, at codon 255 of the RUNX2 protein (p.Pro255Ser). This variant is not present in population databases (gnomAD no frequency). This variant has not been reported in the literature in individuals affected with RUNX2-related conditions. Invitae Evidence Modeling of protein sequence and biophysical properties (such as structural, functional, and spatial information, amino acid conservation, physicochemical variation, residue mobility, and thermodynamic stability) indicates that this missense variant is not expected to disrupt RUNX2 protein function with a negative predictive value of 80%. In summary, the available evidence is currently insufficient to determine the role of this variant in disease. Therefore, it has been classified as a Variant of Uncertain Significance.

NM_001024630.4(RUNX2):c.763C>T (p.Pro255Ser)

Gene: RUNX2 (RUNX family transcription factor 2; plus strand). Cytogenetic location: 6p21.1.
Variant type: single nucleotide variant.
Coding change: c.763C>T on transcript NM_001024630.4 (MANE Select); coding-DNA position 763, C replaced by T.
Protein change: p.Pro255Ser; replaces proline 255 with serine.
Molecular consequence: missense variant.
Genome position (GRCh38, 1-based): chr6:45,492,018, C>T. VCF-style: chr6-45492018-C-T. GRCh37 (hg19) VCF-style: chr6-45459755-C-T.
Other names: c.763C>T, p.Pro255Ser (NM_001015051.4); c.721C>T, p.Pro241Ser (NM_001278478.2, NM_001369405.1); short protein forms P241S, P255S.
Identifiers: ClinVar variation 4692459 (VCV004692459.1).